The following is an entry in ClinVar:

ClinVar aggregate classification (germline): Likely benign. Review status: criteria provided, multiple submitters, no conflicts (2 of 4 stars). 3 submissions from 3 submitters: Likely benign (3). Last evaluated 2025-09-15.

Conditions:
CLDN1-related disorder. Also called: CLDN1-related condition.

Allele frequency attached by ClinVar (database versions not stated): TOPMed 0.00005; gnomAD exomes 0.00009; ExAC 0.00009; 1000 Genomes Project 30x 0.00016; gnomAD 0.00005; 1000 Genomes Project 0.00020.
gnomAD v4.1: 139 of 1,614,116 alleles (0.0086%); highest among the groups gnomAD compares: Non-Finnish European, 0.011%; no homozygotes.

Submissions (3):

PreventionGenetics, part of Exact Sciences
Classification: Likely benign for CLDN1-related condition. Last evaluated: 2025-09-15. Review status: criteria provided, single submitter. Criteria: ACMG Guidelines, 2015. Collection method: clinical testing. Allele origin: germline.
Comment: This variant is classified as likely benign based on ACMG/AMP sequence variant interpretation guidelines (Richards et al. 2015 PMID: 25741868, with internal and published modifications).

Blueprint Genetics
Classification: Likely benign. Last evaluated: 2024-11-19. Review status: criteria provided, single submitter. Criteria: ACMG Guidelines, 2015. Collection method: clinical testing. Allele origin: germline.

Labcorp Genetics (formerly Invitae), Labcorp
Classification: Likely benign. Last evaluated: 2023-10-25. Review status: criteria provided, single submitter. Criteria: Invitae Variant Classification Sherloc (09022015). Collection method: clinical testing. Allele origin: germline.

NM_021101.5(CLDN1):c.231G>A (p.Leu77=)

Genes: CLDN1 (claudin 1; minus strand), CLDN16 (claudin 16; plus strand). Cytogenetic location: 3q28.
Variant type: single nucleotide variant.
Coding change: c.231G>A on transcript NM_021101.5 (MANE Select); coding-DNA position 231, G replaced by A.
Protein change: p.Leu77=; no amino-acid change (leucine 77 retained).
Molecular consequence: synonymous variant. On other transcripts: intron variant (2).
Genome position (GRCh38, 1-based): chr3:190,313,029, C>T on the plus strand (G>A on the coding strand, the complement: CLDN1 is on the minus strand). VCF-style: chr3-190313029-C-T. GRCh37 (hg19) VCF-style: chr3-190030818-C-T.
Other names: c.-445-1864C>T (NM_001378492.1); c.-279+22438C>T (NM_001378493.1).
Identifiers: ClinVar variation 2731722 (VCV002731722.5), dbSNP rs200229485, ClinGen allele CA2753594.